The following is an entry in ClinVar:

NM_000064.4(C3):c.3096G>C (p.Glu1032Asp)

Gene: C3 (complement C3; minus strand). Cytogenetic location: 19p13.3.
Variant type: single nucleotide variant.
Coding change: c.3096G>C on transcript NM_000064.4 (MANE Select); coding-DNA position 3096, G replaced by C.
Protein change: p.Glu1032Asp; replaces glutamic acid 1032 with aspartic acid.
Molecular consequence: missense variant.
Genome position (GRCh38, 1-based): chr19:6,694,489, C>G on the plus strand (G>C on the coding strand, the complement: C3 is on the minus strand). VCF-style: chr19-6694489-C-G. GRCh37 (hg19) VCF-style: chr19-6694500-C-G.
Other names: p.Glu1032Asp; short protein forms E1032D.
Identifiers: ClinVar variation 1386402 (VCV001386402.14), dbSNP rs148698696, ClinGen allele CA9128861.
Genomic context (GRCh38, chr19:6,694,489, plus strand): 5'-ACCCTTCTTGATGAGCTCCAAGGCCCCCTGCCGCTTCTCTAGGCCGAACTTCTCCCACTG[C>G]TCCGTTTCATCCAGGTAATGCACAGCGATGACCGTGGGCGTCATGCCGATCATGTTCTGT-3'
Protein context (NP_000055.2, residues 1022-1042): VIAVHYLDET[Glu1032Asp]QWEKFGLEKR

ClinVar aggregate classification (germline): Uncertain significance. Review status: criteria provided, multiple submitters, no conflicts (2 of 4 stars). 4 submissions from 4 submitters: Uncertain significance (4). Last evaluated 2024-10-24.

Conditions:
Age related macular degeneration 9. Identifiers: MedGen C1969651, MONDO:0012659, OMIM 611378.
Complement component 3 deficiency. Identifiers: Orphanet 280133, MedGen C3151071, MONDO:0013417, OMIM 613779.
Atypical hemolytic-uremic syndrome with C3 anomaly. Also called: AHUS, SUSCEPTIBILITY TO, 5. Identifiers: Orphanet 2134, MedGen C2752037, MONDO:0013043, OMIM 612925.

Allele frequency attached by ClinVar (database versions not stated): gnomAD exomes below 0.00001 and 0.00002; ExAC 0.00002; gnomAD 0.00005; ESP Exome Variant Server 0.00008; TOPMed 0.00010.
gnomAD v4.1: 11 of 1,614,042 alleles (0.00068%); highest among the groups gnomAD compares: African/African-American, 0.015%; no homozygotes.

Submissions (4):

Labcorp Genetics (formerly Invitae), Labcorp
Classification: Uncertain significance. Last evaluated: 2024-10-24. Review status: criteria provided, single submitter. Criteria: Invitae Variant Classification Sherloc (09022015). Collection method: clinical testing. Allele origin: germline.
Comment: This sequence change replaces glutamic acid, which is acidic and polar, with aspartic acid, which is acidic and polar, at codon 1032 of the C3 protein (p.Glu1032Asp). This variant is present in population databases (rs148698696, gnomAD 0.02%). This variant has not been reported in the literature in individuals affected with C3-related conditions. ClinVar contains an entry for this variant (Variation ID: 1386402). Invitae Evidence Modeling of protein sequence and biophysical properties (such as structural, functional, and spatial information, amino acid conservation, physicochemical variation, residue mobility, and thermodynamic stability) indicates that this missense variant is not expected to disrupt C3 protein function with a negative predictive value of 80%. In summary, the available evidence is currently insufficient to determine the role of this variant in disease. Therefore, it has been classified as a Variant of Uncertain Significance.

Fulgent Genetics
Classification: Uncertain significance for Age related macular degeneration 9; Atypical hemolytic-uremic syndrome with C3 anomaly; Complement component 3 deficiency. Last evaluated: 2024-04-16. Review status: criteria provided, single submitter. Criteria: ACMG Guidelines, 2015. Collection method: clinical testing. Allele origin: germline.

Mayo Clinic Laboratories, Mayo Clinic
Classification: Uncertain significance. Last evaluated: 2021-09-22. Review status: criteria provided, single submitter. Criteria: ACMG Guidelines, 2015. Collection method: clinical testing. Allele origin: germline.

Department of Pathology and Laboratory Medicine, Sinai Health System
Classification: Uncertain significance for atypical hemolytic-uremic syndrome with C3 anomaly. Last evaluated: 2021-07-30. Review status: criteria provided, single submitter. Criteria: ACMG Guidelines, 2015. Collection method: research. Allele origin: germline.